The following is an entry in ClinVar:

NM_020533.3(MCOLN1):c.405+1G>A

Gene: MCOLN1 (mucolipin TRP cation channel 1; plus strand). Cytogenetic location: 19p13.2.
Variant type: single nucleotide variant.
Coding change: c.405+1G>A on transcript NM_020533.3 (MANE Select); the canonical splice donor site of the intron after coding-DNA position 405, G replaced by A.
Molecular consequence: splice donor variant.
Genome position (GRCh38, 1-based): chr19:7,526,607, G>A. VCF-style: chr19-7526607-G-A. GRCh37 (hg19) VCF-style: chr19-7591493-G-A.
Identifiers: ClinVar variation 419813 (VCV000419813.17), dbSNP rs148748724, ClinGen allele CA9138706.

ClinVar aggregate classification (germline): Pathogenic/Likely pathogenic. Review status: criteria provided, multiple submitters, no conflicts (2 of 4 stars). 6 submissions from 6 submitters: Pathogenic (3); Likely pathogenic (2). 1 of the submissions does not count toward it. Last evaluated 2025-02-12.

Conditions:
MCOLN1-related disorder. Also called: MCOLN1-related condition.
Mucolipidosis type IV (ML4). Also called: ML IV. Identifiers: Orphanet 578, MedGen C0238286, MONDO:0009653, OMIM 252650.

Allele frequency attached by ClinVar (database versions not stated): TOPMed below 0.00001; gnomAD 0.00001; gnomAD exomes 0.00001 and 0.00002; ESP Exome Variant Server 0.00008; ExAC 0.00002.
gnomAD v4.1: 13 of 1,610,698 alleles (0.00081%); highest among the groups gnomAD compares: Non-Finnish European, 0.001%; no homozygotes.

Submissions (6):

Natera, Inc.
Classification: Likely pathogenic for Mucolipidosis type IV. Last evaluated: 2025-02-12. Review status: criteria provided, single submitter. Criteria: Natera Variant Classification Schema (03/2026). Collection method: clinical testing. Allele origin: germline.
Comment: The c.405+1G>A variant in MCOLN1 is a canonical splice donor site variant predicted to affect pre-mRNA splicing, which may result in an abnormal transcript and altered protein product. This variant may result in a truncated or dysfunctional protein product. This variant is rare in the general population with a frequency below the threshold expected for the associated phenotype(s). This variant has been observed in one or more individuals affected with the associated recessive disease, as either homozygous or compound heterozygous with a second variant (PMID: 31618753, 31578829). Given the available evidence, this variant is classified as Likely Pathogenic.

Labcorp Genetics (formerly Invitae), Labcorp
Classification: Pathogenic for Mucolipidosis type IV. Last evaluated: 2024-02-13. Review status: criteria provided, single submitter. Criteria: Invitae Variant Classification Sherloc (09022015). Collection method: clinical testing. Allele origin: germline.
Comment: This sequence change affects a donor splice site in intron 3 of the MCOLN1 gene. It is expected to disrupt RNA splicing. Variants that disrupt the donor or acceptor splice site typically lead to a loss of protein function (PMID: 16199547), and loss-of-function variants in MCOLN1 are known to be pathogenic (PMID: 11030752, 11317355, 37972748). This variant is present in population databases (rs148748724, gnomAD 0.004%). Disruption of this splice site has been observed in individual(s) with MCOLN1-related conditions (PMID: 31578829, 31618753). In at least one individual the data is consistent with being in trans (on the opposite chromosome) from a pathogenic variant. ClinVar contains an entry for this variant (Variation ID: 419813). Algorithms developed to predict the effect of sequence changes on RNA splicing suggest that this variant may disrupt the consensus splice site. For these reasons, this variant has been classified as Pathogenic.

Fulgent Genetics
Classification: Pathogenic for Mucolipidosis type IV. Last evaluated: 2022-03-03. Review status: criteria provided, single submitter. Criteria: ACMG Guidelines, 2015. Collection method: clinical testing. Allele origin: unknown.

Myriad Genetics, Inc.
Classification: Likely pathogenic for Mucolipidosis type IV. Last evaluated: 2021-11-08. Review status: criteria provided, single submitter. Criteria: Myriad Women's Health Autosomal Recessive and X-Linked Classification Criteria (2021). Collection method: clinical testing. Allele origin: unknown.
Comment: NM_020533.2(MCOLN1):c.405+1G>A is a canonical splice site variant classified as likely pathogenic in the context of mucolipidosis IV. c.405+1G>A has been observed in cases with relevant disease (PMID: 31618753, 31578829). Functional assessments of this variant are not available in the literature. c.405+1G>A has been observed in population frequency databases (gnomAD: NFE 0.005%). In summary, NM_020533.2(MCOLN1):c.405+1G>A is a canonical splice site variant that has been observed more frequently in cases with the relevant disease than in healthy populations. Please note: this variant was assessed in the context of healthy population screening.

GeneDx
Classification: Pathogenic. Last evaluated: 2015-09-20. Review status: criteria provided, single submitter. Criteria: GeneDx Variant Classification (06012015). Collection method: clinical testing. Allele origin: germline. Affected: yes.
Comment: The c.405+1G>A variant in the MCOLN1 gene has not been reported previously as a pathogenic variant nor as a benign polymorphism, to our knowledge. This splice site substitution destroys the canonical splice donor site in intron 3. It is predicted to cause abnormal gene splicing, either leading to an abnormal message that is subject to nonsense-mediated mRNA decay, or to an abnormal protein product if the message is used for protein translation. The c.405+1G>A variant was not observed at any significant frequency in approximately 6500 individuals of European and African American ancestry in the NHLBI Exome Sequencing Project, indicating it is not a common benign variant in these populations. We interpret c.405+1G>A as a pathogenic variant.

PreventionGenetics, part of Exact Sciences
Classification: Likely pathogenic for MCOLN1-related condition. Last evaluated: 2024-05-01. Review status: no assertion criteria provided. Collection method: clinical testing. Allele origin: germline. Not counted in ClinVar's aggregate classification.
Comment: The MCOLN1 c.405+1G>A variant is predicted to disrupt the GT donor site and interfere with normal splicing. This variant was reported in the compound heterozygous and homozygous state in two individuals with mucolipidosis IV (Meloche et al. 2020. PubMed ID: 31578829; Table S1, Ziats et al. 2019. PubMed ID: 31618753). This variant is reported in 0.0044% of alleles in individuals of European (Non-Finnish) descent in gnomAD. Variants that disrupt the consensus splice donor site in MCOLN1 are expected to be pathogenic. This variant is interpreted as likely pathogenic.

Literature cited by the submitters: PubMed 31618753 (cited by 3 submitters); PubMed 31578829 (cited by 3 submitters); PubMed 16199547 (cited by Labcorp Genetics (formerly Invitae), Labcorp); PubMed 11030752 (cited by Labcorp Genetics (formerly Invitae), Labcorp); PubMed 11317355 (cited by Labcorp Genetics (formerly Invitae), Labcorp); PubMed 37972748 (cited by Labcorp Genetics (formerly Invitae), Labcorp).